The following is an entry in ClinVar:

ClinVar aggregate classification (germline): Uncertain significance. Review status: criteria provided, multiple submitters, no conflicts (2 of 4 stars). 2 submissions from 2 submitters: Uncertain significance (2). Last evaluated 2020-01-21.

Conditions:
Hypertrophic cardiomyopathy 1 (CMH1). Also called: MYH7-Related Familial Hypertrophic Cardiomyopathy; Familial hypertrophic cardiomyopathy 1. Identifiers: MedGen C3495498, MONDO:0008647, OMIM 192600.

Submissions (2):

Johns Hopkins Genomics, Johns Hopkins University
Classification: Uncertain significance for Hypertrophic cardiomyopathy 1. Last evaluated: 2020-01-21. Review status: criteria provided, single submitter. Criteria: ACMG Guidelines, 2015. Collection method: clinical testing. Allele origin: germline.

Women's Health and Genetics/Laboratory Corporation of America, LabCorp
Classification: Uncertain significance. Last evaluated: 2020-01-08. Review status: criteria provided, single submitter. Criteria: LabCorp Variant Classification Summary - May 2015. Collection method: clinical testing. Allele origin: germline.
Comment: Variant summary: MYH7 c.2499C>A (p.Tyr833X) results in a premature termination codon, predicted to cause a truncation of the encoded protein or absence of the protein due to nonsense mediated decay. The variant was absent in 251444 control chromosomes (gnomAD). The available data on variant occurrences in the general population are insufficient to allow any conclusion about variant significance. To our knowledge, no occurrence of c.2499C>A in individuals affected with Cardiomyopathy and no experimental evidence demonstrating an impact on protein function have been reported. No clinical diagnostic laboratories have submitted clinical-significance assessments for this variant to ClinVar after 2014. Based on the evidence outlined above, the variant was classified as uncertain significance.

NM_000257.4(MYH7):c.2499C>A (p.Tyr833Ter)

Genes: MYH7 (myosin heavy chain 7; minus strand), LOC126861898 (BRD4-independent group 4 enhancer GRCh37_chr14:23893609-23894808; plus strand). Cytogenetic location: 14q11.2.
Variant type: single nucleotide variant.
Coding change: c.2499C>A on transcript NM_000257.4 (MANE Select); coding-DNA position 2499, C replaced by A.
Protein change: p.Tyr833Ter; replaces tyrosine 833 with a stop codon.
Molecular consequence: nonsense.
Genome position (GRCh38, 1-based): chr14:23,424,949, G>T on the plus strand (C>A on the coding strand, the complement: MYH7 is on the minus strand). VCF-style: chr14-23424949-G-T. GRCh37 (hg19) VCF-style: chr14-23894158-G-T.
Other names: short protein forms Y833*.
Identifiers: ClinVar variation 917609 (VCV000917609.2), dbSNP rs397516151, ClinGen allele CA389048283.